The following is an entry in ClinVar:

ClinVar aggregate classification (germline): Uncertain significance. Review status: criteria provided, multiple submitters, no conflicts (2 of 4 stars). 2 submissions from 2 submitters: Uncertain significance (2). Last evaluated 2025-09-14.

Conditions:
Early-infantile DEE. Also called: Early infantile epileptic encephalopathy with suppression bursts; Ohtahara syndrome; Early infantile epileptic encephalopathy. Identifiers: Orphanet 1934, MedGen C0393706, MONDO:0800491.
KCNH5-related disorder. Also called: KCNH5-related condition.

gnomAD v4.1: 2 of 1,614,206 alleles (0.00012%); highest among the groups gnomAD compares: Non-Finnish European, 0.00017%; no homozygotes.

Submissions (2):

PreventionGenetics, part of Exact Sciences
Classification: Uncertain significance for KCNH5-related condition. Last evaluated: 2025-09-14. Review status: criteria provided, single submitter. Criteria: ACMG Guidelines, 2015. Collection method: clinical testing. Allele origin: germline.
Comment: The KCNH5 c.2485A>C variant is predicted to result in the amino acid substitution p.Asn829His. To our knowledge, this variant has not been reported in the literature or in a large population database (gnomAD), indicating this variant is rare. At this time, the clinical significance of this variant is uncertain due to the absence of conclusive functional and genetic evidence.

Labcorp Genetics (formerly Invitae), Labcorp
Classification: Uncertain significance for Early-infantile DEE. Last evaluated: 2025-08-29. Review status: criteria provided, single submitter. Criteria: Invitae Variant Classification Sherloc (09022015). Collection method: clinical testing. Allele origin: germline.
Comment: This sequence change replaces asparagine, which is neutral and polar, with histidine, which is basic and polar, at codon 829 of the KCNH5 protein (p.Asn829His). This variant is not present in population databases (gnomAD no frequency). This variant has not been reported in the literature in individuals affected with KCNH5-related conditions. Invitae Evidence Modeling of protein sequence and biophysical properties (such as structural, functional, and spatial information, amino acid conservation, physicochemical variation, residue mobility, and thermodynamic stability) indicates that this missense variant is not expected to disrupt KCNH5 protein function with a negative predictive value of 95%. In summary, the available evidence is currently insufficient to determine the role of this variant in disease. Therefore, it has been classified as a Variant of Uncertain Significance.

NM_139318.5(KCNH5):c.2485A>C (p.Asn829His)

Gene: KCNH5 (potassium voltage-gated channel subfamily H member 5; minus strand). Cytogenetic location: 14q23.2.
Variant type: single nucleotide variant.
Coding change: c.2485A>C on transcript NM_139318.5 (MANE Select); coding-DNA position 2485, A replaced by C.
Protein change: p.Asn829His; replaces asparagine 829 with histidine.
Molecular consequence: missense variant. On other transcripts: 3 prime UTR variant (1).
Genome position (GRCh38, 1-based): chr14:62,707,990, T>G on the plus strand (A>C on the coding strand, the complement: KCNH5 is on the minus strand). VCF-style: chr14-62707990-T-G. GRCh37 (hg19) VCF-style: chr14-63174708-T-G.
Other names: c.2485A>C (NM_139318.4); c.*452A>C (NM_172375.3); short protein forms N829H.
Identifiers: ClinVar variation 4801999 (VCV004801999.2).
Genomic context (GRCh38, chr14:62,707,990, plus strand): 5'-AATCACTGCTCTTGGGGTCCTCAGACAATAGCCCCATTGACTCAGCTTTAGTGACATTAT[T>G]CCAGTCTTCCTTTTTCTCCTCATGGGCTCCCATATTATTCTTGAGTCGCAGCCACCCTTT-3'
Protein context (NP_647479.2, residues 819-839): GAHEEKKEDW[Asn829His]NVTKAESMGL